The following is an entry in ClinVar:

ClinVar aggregate classification (germline): Uncertain significance. Review status: criteria provided, multiple submitters, no conflicts (2 of 4 stars). 2 submissions from 2 submitters: Uncertain significance (2). Last evaluated 2024-02-27.

Conditions:
Inborn genetic diseases. Identifiers: MedGen C0950123, MeSH D030342.

Allele frequency attached by ClinVar (database versions not stated): ExAC 0.00001.
gnomAD v4.1: 75 of 1,613,320 alleles (0.0046%); highest among the groups gnomAD compares: Non-Finnish European, 0.0058%; no homozygotes.

Submissions (2):

Ambry Genetics
Classification: Uncertain significance for Inborn genetic diseases. Last evaluated: 2024-02-27. Review status: criteria provided, single submitter. Criteria: Ambry Variant Classification Scheme 2023. Collection method: clinical testing. Allele origin: germline.

Labcorp Genetics (formerly Invitae), Labcorp
Classification: Uncertain significance. Last evaluated: 2022-07-29. Review status: criteria provided, single submitter. Criteria: Invitae Variant Classification Sherloc (09022015). Collection method: clinical testing. Allele origin: germline.
Comment: This sequence change replaces serine, which is neutral and polar, with leucine, which is neutral and non-polar, at codon 571 of the ADAMTSL4 protein (p.Ser571Leu). This variant is present in population databases (rs754125407, gnomAD 0.0009%). This variant has not been reported in the literature in individuals affected with ADAMTSL4-related conditions. Algorithms developed to predict the effect of missense changes on protein structure and function are either unavailable or do not agree on the potential impact of this missense change (SIFT: "Deleterious"; PolyPhen-2: "Benign"; Align-GVGD: "Class C25"). In summary, the available evidence is currently insufficient to determine the role of this variant in disease. Therefore, it has been classified as a Variant of Uncertain Significance.

NM_019032.6(ADAMTSL4):c.1712C>T (p.Ser571Leu)

Genes: ADAMTSL4 (ADAMTS like 4; plus strand), ADAMTSL4-AS2 (ADAMTSL4 antisense RNA 2; minus strand). Cytogenetic location: 1q21.2.
Variant type: single nucleotide variant.
Coding change: c.1712C>T on transcript NM_019032.6 (MANE Select); coding-DNA position 1712, C replaced by T.
Protein change: p.Ser571Leu; replaces serine 571 with leucine.
Molecular consequence: missense variant.
Genome position (GRCh38, 1-based): chr1:150,556,756, C>T. VCF-style: chr1-150556756-C-T. GRCh37 (hg19) VCF-style: chr1-150529232-C-T.
Other names: c.1781C>T, p.Ser594Leu (NM_001288607.2, NM_001288608.2); c.1712C>T, p.Ser571Leu (NM_001378596.1, NM_025008.5); c.1712C>T (NM_019032.4); short protein forms S571L, S594L.
Identifiers: ClinVar variation 2416662 (VCV002416662.5), dbSNP rs754125407, ClinGen allele CA1078372.